The following is an entry in ClinVar:

ClinVar aggregate classification (germline): Uncertain significance. Review status: criteria provided, multiple submitters, no conflicts (2 of 4 stars). 3 submissions from 3 submitters: Uncertain significance (3). Last evaluated 2021-08-26.

Conditions:
Bardet-Biedl syndrome (BBS). Identifiers: Orphanet 110, MedGen C0752166, MONDO:0015229.

Allele frequency attached by ClinVar (database versions not stated): gnomAD 0.00001; gnomAD exomes 0.00001; TOPMed 0.00001.
gnomAD v4.1: 7 of 1,614,100 alleles (0.00043%); highest among the groups gnomAD compares: Middle Eastern, 0.016%; no homozygotes.

Submissions (3):

Labcorp Genetics (formerly Invitae), Labcorp
Classification: Uncertain significance for Bardet-Biedl syndrome. Last evaluated: 2021-08-26. Review status: criteria provided, single submitter. Criteria: Invitae Variant Classification Sherloc (09022015). Collection method: clinical testing. Allele origin: germline.
Comment: This sequence change replaces valine with glycine at codon 375 of the TRIM32 protein (p.Val375Gly). The valine residue is highly conserved and there is a moderate physicochemical difference between valine and glycine. This variant is not present in population databases (ExAC no frequency). This missense change has been observed in individual(s) with clinical features of TRIM32-related conditions (PMID: 30564623). ClinVar contains an entry for this variant (Variation ID: 289168). Algorithms developed to predict the effect of missense changes on protein structure and function (SIFT, PolyPhen-2, Align-GVGD) all suggest that this variant is likely to be disruptive. In summary, the available evidence is currently insufficient to determine the role of this variant in disease. Therefore, it has been classified as a Variant of Uncertain Significance.

Revvity Omics, Revvity
Classification: Uncertain significance. Last evaluated: 2019-03-07. Review status: criteria provided, single submitter. Criteria: ACMG Guidelines, 2015. Collection method: clinical testing. Allele origin: germline.

Eurofins Ntd Llc (ga)
Classification: Uncertain significance. Last evaluated: 2016-07-18. Review status: criteria provided, single submitter. Criteria: EGL Classification Definitions 2015. Collection method: clinical testing. Allele origin: germline. Observed: 1 variant allele, 1 heterozygote.

Literature cited by the submitters: PubMed 30564623 (cited by Labcorp Genetics (formerly Invitae), Labcorp).

NM_012210.4(TRIM32):c.1124T>G (p.Val375Gly)

Genes: ASTN2 (astrotactin 2; minus strand), TRIM32 (tripartite motif containing 32; plus strand). Cytogenetic location: 9q33.1.
Variant type: single nucleotide variant.
Coding change: c.1124T>G on transcript NM_012210.4 (MANE Select); coding-DNA position 1124, T replaced by G.
Protein change: p.Val375Gly; replaces valine 375 with glycine.
Molecular consequence: missense variant. On other transcripts: intron variant (3).
Genome position (GRCh38, 1-based): chr9:116,698,866, T>G. VCF-style: chr9-116698866-T-G. GRCh37 (hg19) VCF-style: chr9-119461145-T-G.
Other names: c.1124T>G, p.Val375Gly (NM_001379048.1, NM_001379049.1, NM_001379050.1 and 1 more transcripts); c.2653+26905A>C (NM_014010.5); c.2794+26905A>C (NM_001365069.1); c.2806+26905A>C (NM_001365068.1); short protein forms V375G.
Identifiers: ClinVar variation 289168 (VCV000289168.12), dbSNP rs886044107, ClinGen allele CA10606356.